The following is an entry in ClinVar:

NM_016011.5(MECR):c.855T>G (p.Tyr285Ter)

Gene: MECR (mitochondrial trans-2-enoyl-CoA reductase; minus strand). Cytogenetic location: 1p35.3.
Variant type: single nucleotide variant.
Coding change: c.855T>G on transcript NM_016011.5 (MANE Select); coding-DNA position 855, T replaced by G.
Protein change: p.Tyr285Ter; replaces tyrosine 285 with a stop codon.
Molecular consequence: nonsense. On other transcripts: non-coding transcript variant (4).
Genome position (GRCh38, 1-based): chr1:29,196,234, A>C on the plus strand (T>G on the coding strand, the complement: MECR is on the minus strand). VCF-style: chr1-29196234-A-C. GRCh37 (hg19) VCF-style: chr1-29522746-A-C.
Other names: c.627T>G, p.Tyr209Ter (NM_001024732.4, NM_001349711.2, NM_001349712.2 and 2 more transcripts); c.960T>G, p.Tyr320Ter (NM_001349715.2); c.939T>G, p.Tyr313Ter (NM_001349716.2); c.705T>G, p.Tyr235Ter (NM_001349717.2); short protein forms Y285*, Y235*, Y209*, Y313*, Y320*.
Identifiers: ClinVar variation 374879 (VCV000374879.32), dbSNP rs1057519286, ClinGen allele CA16043954.

ClinVar aggregate classification (germline): Pathogenic. Review status: criteria provided, multiple submitters, no conflicts (2 of 4 stars). 5 submissions from 5 submitters: Pathogenic (3). 2 of the submissions do not count toward it. Last evaluated 2023-08-01.

Conditions:
Childhood Onset Dystonias. Identifiers: MedGen C0752202.
Optic atrophy. Identifiers: MedGen C0029124, MONDO:0003608, HP:0000648.
Dystonia, childhood-onset, with optic atrophy and basal ganglia abnormalities (DYTOABG). Also called: DYSTONIA 29, CHILDHOOD-ONSET; MECR-Related Neurologic Disorder. Identifiers: Orphanet 508093, MedGen C4310634, MONDO:0015003, OMIM 617282.

Allele frequency attached by ClinVar (database versions not stated): gnomAD exomes 0.00001.
gnomAD v4.1: 3 of 1,613,602 alleles (0.00019%); highest among the groups gnomAD compares: Non-Finnish European, 0.00025%; no homozygotes.

Submissions (5):

CeGaT Center for Human Genetics Tuebingen
Classification: Pathogenic. Last evaluated: 2023-08-01. Review status: criteria provided, single submitter. Criteria: CeGaT Center For Human Genetics Tuebingen Variant Classification Criteria Version 2. Collection method: clinical testing. Allele origin: germline. Affected: yes. Observed: 1 variant allele.
Comment: MECR: PVS1, PM2

Labcorp Genetics (formerly Invitae), Labcorp
Classification: Pathogenic. Last evaluated: 2023-02-14. Review status: criteria provided, single submitter. Criteria: Invitae Variant Classification Sherloc (09022015). Collection method: clinical testing. Allele origin: germline.
Comment: This sequence change creates a premature translational stop signal (p.Tyr285*) in the MECR gene. It is expected to result in an absent or disrupted protein product. Loss-of-function variants in MECR are known to be pathogenic (PMID: 27817865). This variant is not present in population databases (gnomAD no frequency). This premature translational stop signal has been observed in individual(s) with dystonia (PMID: 27817865). ClinVar contains an entry for this variant (Variation ID: 374879). Algorithms developed to predict the effect of sequence changes on RNA splicing suggest that this variant may disrupt the consensus splice site. For these reasons, this variant has been classified as Pathogenic.

GeneDx
Classification: Pathogenic. Last evaluated: 2022-01-13. Review status: criteria provided, single submitter. Criteria: GeneDx Variant Classification Process June 2021. Collection method: clinical testing. Allele origin: germline. Affected: yes.
Comment: Nonsense variant predicted to result in protein truncation or nonsense mediated decay in a gene for which loss-of-function is a known mechanism of disease; Not observed at significant frequency in large population cohorts (gnomAD); Identified in a patient with clinical features consistent with MECR-related disorder in published literature (Heimer et al., 2016); This variant is associated with the following publications: (PMID: 27817865)

OMIM
Classification: Pathogenic for DYSTONIA, CHILDHOOD-ONSET, WITH OPTIC ATROPHY AND BASAL GANGLIA ABNORMALITIES. Last evaluated: 2024-01-08. Review status: no assertion criteria provided. Collection method: literature only. Allele origin: germline. Not counted in ClinVar's aggregate classification.

University of Washington Center for Mendelian Genomics, University of Washington
Classification: Likely pathogenic for Childhood Onset Dystonias; Optic atrophy. Last evaluated: 2016-12-01. Review status: no assertion criteria provided. Collection method: research. Allele origin: unknown. Affected: yes. Observed: 1 variant allele. Not counted in ClinVar's aggregate classification.

Literature cited by the submitters: PubMed 27817865 (cited by 3 submitters).